The following is an entry in ClinVar:

ClinVar aggregate classification (germline): Uncertain significance (1 of 4 stars; one submission).

Conditions:
Epilepsy, progressive myoclonic, 1B. Also called: PME. Identifiers: Orphanet 308, MedGen C2676254, MONDO:0012904, OMIM 612437.

Submission:

Labcorp Genetics (formerly Invitae), Labcorp
Classification: Uncertain significance for Epilepsy, progressive myoclonic, 1B. Last evaluated: 2025-02-19. Review status: criteria provided, single submitter. Criteria: Invitae Variant Classification Sherloc (09022015). Collection method: clinical testing. Allele origin: germline.
Comment: This sequence change replaces glutamic acid, which is acidic and polar, with aspartic acid, which is acidic and polar, at codon 54 of the PRICKLE1 protein (p.Glu54Asp). This variant is not present in population databases (gnomAD no frequency). This variant has not been reported in the literature in individuals affected with PRICKLE1-related conditions. ClinVar contains an entry for this variant (Variation ID: 1486328). Invitae Evidence Modeling of protein sequence and biophysical properties (such as structural, functional, and spatial information, amino acid conservation, physicochemical variation, residue mobility, and thermodynamic stability) indicates that this missense variant is not expected to disrupt PRICKLE1 protein function with a negative predictive value of 80%. In summary, the available evidence is currently insufficient to determine the role of this variant in disease. Therefore, it has been classified as a Variant of Uncertain Significance.

NM_153026.3(PRICKLE1):c.162G>T (p.Glu54Asp)

Gene: PRICKLE1 (prickle planar cell polarity protein 1; minus strand). Cytogenetic location: 12q12.
Variant type: single nucleotide variant.
Coding change: c.162G>T on transcript NM_153026.3 (MANE Select); coding-DNA position 162, G replaced by T.
Protein change: p.Glu54Asp; replaces glutamic acid 54 with aspartic acid.
Molecular consequence: missense variant.
Genome position (GRCh38, 1-based): chr12:42,470,330, C>A on the plus strand (G>T on the coding strand, the complement: PRICKLE1 is on the minus strand). VCF-style: chr12-42470330-C-A. GRCh37 (hg19) VCF-style: chr12-42864132-C-A.
Other names: c.162G>T, p.Glu54Asp (NM_001144881.2, NM_001144882.2, NM_001144883.2); short protein forms E54D.
Identifiers: ClinVar variation 1486328 (VCV001486328.8), dbSNP rs1593113981, ClinGen allele CA384444612.